The following is an entry in ClinVar:

ClinVar aggregate classification (germline): Benign/Likely benign. Review status: criteria provided, multiple submitters, no conflicts (2 of 4 stars). 3 submissions from 3 submitters: Benign (2); Likely benign (1). Last evaluated 2025-10-01.

Allele frequency attached by ClinVar (database versions not stated): 1000 Genomes Project 0.00080; 1000 Genomes Project 30x 0.00094; ESP Exome Variant Server 0.00131; gnomAD 0.00157 and 0.00159; ExAC 0.00164; TOPMed 0.00173; gnomAD exomes 0.00181.
gnomAD v4.1: 2,713 of 1,614,176 alleles (0.17%); highest among the groups gnomAD compares: Middle Eastern, 0.97%; 9 homozygotes.

Submissions (3):

CeGaT Center for Human Genetics Tuebingen
Classification: Likely benign. Last evaluated: 2025-10-01. Review status: criteria provided, single submitter. Criteria: CeGaT Center For Human Genetics Tuebingen Variant Classification Criteria Version 2. Collection method: clinical testing. Allele origin: germline. Affected: yes. Observed: 1 variant allele.
Comment: COPG1: BP4, BS2

Labcorp Genetics (formerly Invitae), Labcorp
Classification: Benign. Last evaluated: 2018-02-27. Review status: criteria provided, single submitter. Criteria: Invitae Variant Classification Sherloc (09022015). Collection method: clinical testing. Allele origin: germline.

Breakthrough Genomics
Classification: Benign. Review status: criteria provided, single submitter. Criteria: ACMG Guidelines, 2015. Collection method: not provided. Allele origin: germline. Inheritance: Unknown mechanism. Affected: yes.

NM_016128.4(COPG1):c.276C>T (p.Ile92=)

Gene: COPG1 (coat protein complex I subunit gamma 1; plus strand). Cytogenetic location: 3q21.3.
Variant type: single nucleotide variant.
Coding change: c.276C>T on transcript NM_016128.4 (MANE Select); coding-DNA position 276, C replaced by T.
Protein change: p.Ile92=; no amino-acid change (isoleucine 92 retained).
Molecular consequence: synonymous variant.
Genome position (GRCh38, 1-based): chr3:129,252,908, C>T. VCF-style: chr3-129252908-C-T. GRCh37 (hg19) VCF-style: chr3-128971751-C-T.
Identifiers: ClinVar variation 709572 (VCV000709572.10), dbSNP rs73202214, ClinGen allele CA2603515.